The following is an entry in ClinVar:

NM_001127511.3(APC):c.-93G>A

Gene: APC (APC regulator of Wnt signaling pathway; plus strand). Cytogenetic location: 5q22.2.
Variant type: single nucleotide variant.
Coding change: c.-93G>A on transcript NM_001127511.3; 93 bases upstream of the start codon, G replaced by A.
Molecular consequence: 5 prime UTR variant. On other transcripts: non-coding transcript variant (2).
Genome position (GRCh38, 1-based): chr5:112,707,625, G>A. VCF-style: chr5-112707625-G-A. GRCh37 (hg19) VCF-style: chr5-112043322-G-A.
Other names: c.-276G>A (NM_001354895.2, NM_001407447.1, NM_001407452.1 and 3 more transcripts); c.-93G>A (NM_001354897.2, NM_001354902.2, NM_001407446.1); c.-43G>A (NM_001407448.1, NM_001407450.1, NM_001407457.1 and 1 more transcripts); c.-67G>A (NM_001407453.1); c.-1311G>A (NM_001407470.1, NM_001407472.1).
Identifiers: ClinVar variation 1510772 (VCV001510772.7), dbSNP rs1327488238, ClinGen allele CA561890256.

ClinVar aggregate classification (germline): Uncertain significance (1 of 4 stars; one submission).

Conditions:
Familial adenomatous polyposis 1 (FAP1). Also called: FAMILIAL ADENOMATOUS POLYPOSIS 1, ATTENUATED; POLYPOSIS, ADENOMATOUS INTESTINAL. Identifiers: MedGen C2713442, MONDO:0021056, OMIM 175100. Disease mechanism: loss of function.

Allele frequency attached by ClinVar (database versions not stated): gnomAD 0.00001.

Submission:

Labcorp Genetics (formerly Invitae), Labcorp
Classification: Uncertain significance for Familial adenomatous polyposis 1. Last evaluated: 2025-06-20. Review status: criteria provided, single submitter. Criteria: Invitae Variant Classification Sherloc (09022015). Collection method: clinical testing. Allele origin: germline.
Comment: This variant occurs in a non-coding region of the APC gene. It does not change the encoded amino acid sequence of the APC protein. This variant is present in population databases (no rsID available, gnomAD 0.007%). This variant has not been reported in the literature in individuals affected with APC-related conditions. Experimental studies and prediction algorithms are not available or were not evaluated, and the functional significance of this variant is currently unknown. In summary, the available evidence is currently insufficient to determine the role of this variant in disease. Therefore, it has been classified as a Variant of Uncertain Significance.